The following is an entry in ClinVar:

NM_014712.3(SETD1A):c.1796C>T (p.Thr599Met)

Gene: SETD1A (SET domain containing 1A, histone lysine methyltransferase; plus strand). Cytogenetic location: 16p11.2.
Variant type: single nucleotide variant.
Coding change: c.1796C>T on transcript NM_014712.3 (MANE Select); coding-DNA position 1796, C replaced by T.
Protein change: p.Thr599Met; replaces threonine 599 with methionine.
Molecular consequence: missense variant.
Genome position (GRCh38, 1-based): chr16:30,965,677, C>T. VCF-style: chr16-30965677-C-T. GRCh37 (hg19) VCF-style: chr16-30976998-C-T.
Other names: short protein forms T599M.
Identifiers: ClinVar variation 1700441 (VCV001700441.5), dbSNP rs759133316, ClinGen allele CA280580412.
Genomic context (GRCh38, chr16:30,965,677, plus strand): 5'-CTGGAGACGACATGGAGATCTCCGACGACGACCGGGGTGGCTCACCCCCTCCGGCCCCGA[C>T]GCCCCCTCAGCAGCCTCCGCCACCTCCCCCTCCCCCGCCGCCTCCTCCTCCCTACCTGGC-3'
Protein context (NP_055527.1, residues 589-609): DRGGSPPPAP[Thr599Met]PPQQPPPPPP

ClinVar aggregate classification (germline): Uncertain significance. Review status: criteria provided, multiple submitters, no conflicts (2 of 4 stars). 2 submissions from 2 submitters: Uncertain significance (2). Last evaluated 2022-10-26.

Conditions:
Inborn genetic diseases. Identifiers: MedGen C0950123, MeSH D030342.

gnomAD v4.1: 5 of 1,606,188 alleles (0.00031%); highest among the groups gnomAD compares: South Asian, 0.0022%; no homozygotes.

Submissions (2):

Ambry Genetics
Classification: Uncertain significance for Inborn genetic diseases. Last evaluated: 2022-10-26. Review status: criteria provided, single submitter. Criteria: Ambry Variant Classification Scheme 2023. Collection method: clinical testing. Allele origin: germline.

GeneDx
Classification: Uncertain significance. Last evaluated: 2022-02-07. Review status: criteria provided, single submitter. Criteria: GeneDx Variant Classification Process June 2021. Collection method: clinical testing. Allele origin: germline. Affected: yes.
Comment: In silico analysis supports that this missense variant does not alter protein structure/function; Has not been previously published as pathogenic or benign to our knowledge